The following is an entry in ClinVar:

ClinVar aggregate classification (germline): Likely benign (1 of 4 stars; one submission).

Conditions:
PHIP-related disorder. Also called: PHIP-related condition; PHIP-related disorders.

gnomAD v4.1: 9 of 1,546,304 alleles (0.00058%); highest among the groups gnomAD compares: Admixed American, 0.0021%; no homozygotes.

Submission:

PreventionGenetics, part of Exact Sciences
Classification: Likely benign for PHIP-related condition. Last evaluated: 2024-10-09. Review status: criteria provided, single submitter. Criteria: ACMG Guidelines, 2015. Collection method: clinical testing. Allele origin: germline.
Comment: This variant is classified as likely benign based on ACMG/AMP sequence variant interpretation guidelines (Richards et al. 2015 PMID: 25741868, with internal and published modifications).

NM_017934.7(PHIP):c.2460+9T>C

Gene: PHIP (PHIP subunit of CUL4-Ring ligase complex; minus strand). Cytogenetic location: 6q14.1.
Variant type: single nucleotide variant.
Coding change: c.2460+9T>C on transcript NM_017934.7 (MANE Select); 9 bases into the intron after coding-DNA position 2460, T replaced by C.
Molecular consequence: intron variant.
Genome position (GRCh38, 1-based): chr6:78,988,200, A>G on the plus strand (T>C on the coding strand, the complement: PHIP is on the minus strand). VCF-style: chr6-78988200-A-G. GRCh37 (hg19) VCF-style: chr6-79697917-A-G.
Identifiers: ClinVar variation 4998172 (VCV004998172.1).
Genomic context (GRCh38, chr6:78,988,200, plus strand): 5'-AGAATGAAACTCATATTTAAAAAAATAAGTAAAAATGACATCTAATTTATGAATGTGCTG[A>G]TATCTTACATCTGAAGAACTACTGCCATTTTCTATCTCTTCTGAGGGTCTAGGAGTCTCT-3'